The following is an entry in ClinVar:

NM_004006.3(DMD):c.6439-1_6439delinsAA

Gene: DMD (dystrophin; minus strand). Cytogenetic location: Xp21.1.
Variant type: Indel.
Coding change: c.6439-1_6439delinsAA on transcript NM_004006.3 (MANE Select); the canonical splice acceptor site of the intron before coding-DNA position 6439 through coding-DNA position 6439, GG replaced by AA.
Molecular consequence: splice acceptor variant.
Genome position (GRCh38, 1-based): chrX:31,968,514-31,968,515, CC replaced by TT on the plus strand (GG replaced by AA on the coding strand, the reverse complement: DMD is on the minus strand). VCF-style: chrX-31968514-CC-TT. GRCh37 (hg19) VCF-style: chrX-31986631-CC-TT.
Other names: c.6415-1_6415delinsAA (NM_000109.4); c.2416-1_2416delinsAA (NM_004011.4); c.2407-1_2407delinsAA (NM_004012.4); c.-942-1_-942delinsAA (NM_004023.3, NM_004020.4, NM_004022.3 and 2 more transcripts); c.6427-1_6427delinsAA (NM_004009.3); c.6070-1_6070delinsAA (NM_004010.3).
Identifiers: ClinVar variation 3654462 (VCV003654462.2).

ClinVar aggregate classification (germline): Likely pathogenic (1 of 4 stars; one submission).

Conditions:
Duchenne muscular dystrophy (DMD). Also called: MUSCULAR DYSTROPHY, PSEUDOHYPERTROPHIC PROGRESSIVE, DUCHENNE TYPE; Duchenne Muscular Dystrophy (DMD). Identifiers: Orphanet 98896, MedGen C0013264, MONDO:0010679, OMIM 310200.

Submission:

Labcorp Genetics (formerly Invitae), Labcorp
Classification: Likely pathogenic for Duchenne muscular dystrophy. Last evaluated: 2024-05-23. Review status: criteria provided, single submitter. Criteria: Invitae Variant Classification Sherloc (09022015). Collection method: clinical testing. Allele origin: germline.
Comment: This variant results in the deletion of part of exon 45 (c.6439-1_6439delinsAA) of the DMD gene. It is expected to disrupt RNA splicing. Variants that disrupt the donor or acceptor splice site typically lead to a loss of protein function (PMID: 16199547), and loss-of-function variants in DMD are known to be pathogenic (PMID: 16770791, 25007885). Information on the frequency of this variant in the gnomAD database is not available, as this variant may be reported differently in the database. This variant has not been reported in the literature in individuals affected with DMD-related conditions. In summary, the currently available evidence indicates that the variant is pathogenic, but additional data are needed to prove that conclusively. Therefore, this variant has been classified as Likely Pathogenic.

Literature cited by the submitters: PubMed 16199547; PubMed 16770791; PubMed 25007885.